The following is an entry in ClinVar:

ClinVar aggregate classification (germline): Uncertain significance (1 of 4 stars; one submission).

gnomAD v4.1: 3 of 1,614,034 alleles (0.00019%); highest among the groups gnomAD compares: African/African-American, 0.0013%; no homozygotes.

Submission:

CeGaT Center for Human Genetics Tuebingen
Classification: Uncertain significance. Last evaluated: 2025-03-01. Review status: criteria provided, single submitter. Criteria: CeGaT Center For Human Genetics Tuebingen Variant Classification Criteria Version 2. Collection method: clinical testing. Allele origin: germline. Affected: yes. Observed: 1 variant allele.
Comment: NFIA: PP2, PP3

NM_001134673.4(NFIA):c.445C>T (p.Arg149Cys)

Gene: NFIA (nuclear factor I A; plus strand). Cytogenetic location: 1p31.3.
Variant type: single nucleotide variant.
Coding change: c.445C>T on transcript NM_001134673.4 (MANE Select); coding-DNA position 445, C replaced by T.
Protein change: p.Arg149Cys; replaces arginine 149 with cysteine.
Molecular consequence: missense variant.
Genome position (GRCh38, 1-based): chr1:61,088,566, C>T. VCF-style: chr1-61088566-C-T. GRCh37 (hg19) VCF-style: chr1-61554238-C-T.
Other names: c.421C>T, p.Arg141Cys (NM_001145511.2); c.580C>T, p.Arg194Cys (NM_001145512.2); c.445C>T, p.Arg149Cys (NM_005595.5); short protein forms R141C, R149C, R194C.
Identifiers: ClinVar variation 3771608 (VCV003771608.13).